The following is an entry in ClinVar:

ClinVar aggregate classification (germline): Pathogenic. Review status: reviewed by expert panel (3 of 4 stars). 6 submissions from 6 submitters: Pathogenic (1). 5 of the submissions do not count toward it. Last evaluated 2026-10-27.

Conditions:
Congenital glaucoma. Identifiers: MedGen C0020302, MONDO:0020366.
Anterior segment dysgenesis 6 (ASGD6). Also called: Anterior segment dysgenesis 6, multiple subtypes. Identifiers: MedGen C4310623, MONDO:0015016, OMIM 617315.
Glaucoma 3A. Also called: Glaucoma 3, primary congenital, A. Identifiers: Orphanet 98976, Orphanet 98977, MedGen C1856439, MONDO:0009277, OMIM 231300.
CYP1B1-related glaucoma with or without anterior segment dysgenesis. Identifiers: MedGen CN375931, MONDO:0800472.

Allele frequency attached by ClinVar (database versions not stated): gnomAD 0.00001; TOPMed 0.00002.
gnomAD v4.1: 13 of 1,608,884 alleles (0.00081%); highest among the groups gnomAD compares: East Asian, 0.0067%; no homozygotes.

Submissions (6):

ClinGen Glaucoma Variant Curation Expert Panel
Classification: Pathogenic for CYP1B1-related glaucoma with or without anterior segment dysgenesis. Last evaluated: 2026-10-27. Review status: reviewed by expert panel. Criteria: ClinGen Glaucoma ACMG Specifications CYP1B1 V2.0. Collection method: curation. Allele origin: germline. Inheritance: Autosomal recessive inheritance.
Comment: The c.840C>A variant in CYP1B1 is predicted to cause a change in the length of the protein due to the insertion of a terminating codon instead of the usual Cysteine at amino acid 280 (p.Cys280Ter). This nonsense variant was predicted to undergo NMD, meeting PVS1. The highest minor allele frequency of this variant was in the East Asian genetic ancestry group of gnomAD (v4.1) = 0.000067 (3 alleles out of 44,686), which met the ≤ 0.0005 threshold set for PM2_Supporting in a genetic ancestry group of at least 2,000 alleles. There was no functional evidence predicting a damaging or benign impact of this variant on CYP1B1 function. This variant has been identified in 7 individuals with a CYP1B1-related phenotype. 4 individuals are compound heterozygous for the variant and a pathogenic variant (2 confirmed in trans and 2 with phase unknown). Total proband points = 4, meeting PM3_VeryStrong. In summary, this variant met the criteria to receive a score of 17 and to be classified as pathogenic (pathogenic classification ≥ 10, adapted from PMID: 32720330) for CYP1B1-related glaucoma with or without anterior segment dysgenesis (ASD) based on the ACMG/AMP criteria met, as specified by the ClinGen Glaucoma VCEP (v2.0, 16.07.2026): PVS1, PM3_VeryStrong, PM2_Supporting

CeGaT Center for Human Genetics Tuebingen
Classification: Pathogenic. Last evaluated: 2025-02-01. Review status: criteria provided, single submitter. Criteria: CeGaT Center For Human Genetics Tuebingen Variant Classification Criteria Version 2. Collection method: clinical testing. Allele origin: germline. Affected: yes. Observed: 1 variant allele. Not counted in ClinVar's aggregate classification.
Comment: CYP1B1: PVS1, PM3:Strong, PM2

Revvity Omics, Revvity
Classification: Likely pathogenic. Last evaluated: 2025-01-15. Review status: criteria provided, single submitter. Criteria: ACMG Guidelines, 2015. Collection method: clinical testing. Allele origin: germline. Not counted in ClinVar's aggregate classification.

Fulgent Genetics
Classification: Pathogenic for Glaucoma 3A; Anterior segment dysgenesis 6. Last evaluated: 2024-05-28. Review status: criteria provided, single submitter. Criteria: ACMG Guidelines, 2015. Collection method: clinical testing. Allele origin: germline. Not counted in ClinVar's aggregate classification.

Baylor Genetics
Classification: Pathogenic for Anterior segment dysgenesis 6. Last evaluated: 2023-12-08. Review status: criteria provided, single submitter. Criteria: ACMG Guidelines, 2015. Collection method: clinical testing. Allele origin: unknown. Not counted in ClinVar's aggregate classification.

Labcorp Genetics (formerly Invitae), Labcorp
Classification: Pathogenic for Congenital glaucoma. Last evaluated: 2023-11-25. Review status: criteria provided, single submitter. Criteria: Invitae Variant Classification Sherloc (09022015). Collection method: clinical testing. Allele origin: germline. Not counted in ClinVar's aggregate classification.
Comment: This sequence change creates a premature translational stop signal (p.Cys280*) in the CYP1B1 gene. It is expected to result in an absent or disrupted protein product. Loss-of-function variants in CYP1B1 are known to be pathogenic (PMID: 9097971, 9497261, 19234632). This variant is present in population databases (rs778202993, gnomAD 0.01%). This premature translational stop signal has been observed in individual(s) with primary congenital glaucoma (PMID: 11527932). ClinVar contains an entry for this variant (Variation ID: 1076484). For these reasons, this variant has been classified as Pathogenic.

Literature cited by the submitters: PubMed 9097971 (cited by Labcorp Genetics (formerly Invitae), Labcorp); PubMed 9497261 (cited by Labcorp Genetics (formerly Invitae), Labcorp); PubMed 19234632 (cited by Labcorp Genetics (formerly Invitae), Labcorp); PubMed 11527932 (cited by Labcorp Genetics (formerly Invitae), Labcorp).

NM_000104.4(CYP1B1):c.840C>A (p.Cys280Ter)

Gene: CYP1B1 (cytochrome P450 family 1 subfamily B member 1; minus strand). Cytogenetic location: 2p22.2.
Variant type: single nucleotide variant.
Coding change: c.840C>A on transcript NM_000104.4 (MANE Select); coding-DNA position 840, C replaced by A.
Protein change: p.Cys280Ter; replaces cysteine 280 with a stop codon.
Molecular consequence: nonsense.
Genome position (GRCh38, 1-based): chr2:38,074,549, G>T on the plus strand (C>A on the coding strand, the complement: CYP1B1 is on the minus strand). VCF-style: chr2-38074549-G-T. GRCh37 (hg19) VCF-style: chr2-38301692-G-T.
Other names: NM_000104.4(CYP1B1):c.840C>A; p.Cys280Ter; c.840C>A (NM_000104.3); short protein forms C280*.
Identifiers: ClinVar variation 1076484 (VCV001076484.28), dbSNP rs778202993, ClinGen allele CA1619955.